The following is an entry in ClinVar:

NM_000051.4(ATM):c.2125-1G>C

Gene: ATM (ATM serine/threonine kinase; plus strand). Cytogenetic location: 11q22.3.
Variant type: single nucleotide variant.
Coding change: c.2125-1G>C on transcript NM_000051.4 (MANE Select); the canonical splice acceptor site of the intron before coding-DNA position 2125, G replaced by C.
Molecular consequence: splice acceptor variant.
Genome position (GRCh38, 1-based): chr11:108,256,214, G>C. VCF-style: chr11-108256214-G-C. GRCh37 (hg19) VCF-style: chr11-108126941-G-C.
Other names: c.2125-1G>C (NM_001351834.2).
Identifiers: ClinVar variation 4848906 (VCV004848906.1).

ClinVar aggregate classification (germline): Likely pathogenic (1 of 4 stars; one submission).

Conditions:
Ataxia-telangiectasia syndrome (AT). Also called: Ataxia-telangiectasia, complementation group E; LOUIS-BAR SYNDROME; Cerebello-oculocutaneous telangiectasia; Immunodeficiency with ataxia telangiectasia; Ataxia telangiectasia (A-T); Ataxia-telangiectasia, complementation group D. Identifiers: Orphanet 100, MedGen C0004135, MONDO:0008840, OMIM 208900.

Submission:

Women's Health and Genetics/Laboratory Corporation of America, LabCorp
Classification: Likely pathogenic for Ataxia-telangiectasia syndrome. Last evaluated: 2026-04-03. Review status: criteria provided, single submitter. Criteria: LabCorp Variant Classification Summary - May 2015. Collection method: clinical testing. Allele origin: germline.
Comment: Variant summary: ATM c.2125-1G>C is located in a canonical splice-site and is predicted to affect mRNA splicing resulting in a significantly altered protein due to either exon skipping, shortening, or inclusion of intronic material. Variants that disrupt the consensus splice site are a relatively common cause of aberrant splicing and loss of ATM function. Several computational tools predict a significant impact on normal splicing: Three predict the variant abolishes a 3' acceptor site. However, these predictions have yet to be confirmed by functional studies. The variant was absent in 249538 control chromosomes. To our knowledge, no occurrence of c.2125-1G>C in individuals affected with ATM-related conditions and no experimental evidence demonstrating its impact on protein function have been reported. No submitters have cited clinical-significance assessments for this variant to ClinVar. Based on the evidence outlined above, the variant was classified as likely pathogenic for autosomal dominant and autosomal recessive ATM-related conditions.